The following is an entry in ClinVar:

ClinVar aggregate classification (germline): Uncertain significance. Review status: criteria provided, multiple submitters, no conflicts (2 of 4 stars). 2 submissions from 2 submitters: Uncertain significance (2). Last evaluated 2025-11-23.

Conditions:
Inborn genetic diseases. Identifiers: MedGen C0950123, MeSH D030342.
Glycogen storage disease IV, classic hepatic. Also called: GSD IV, CLASSIC HEPATIC. Identifiers: MedGen C1856301.
Glycogen storage disease, type IV (GSD4). Also called: CIRRHOSIS, FAMILIAL, WITH DEPOSITION OF ABNORMAL GLYCOGEN; GBE1 DEFICIENCY; GLYCOGEN BRANCHING ENZYME DEFICIENCY; GLYCOGENOSIS IV; GSD IV; AMYLOPECTINOSIS. Identifiers: Orphanet 367, MedGen C0017923, MONDO:0009292, OMIM 232500.

Allele frequency attached by ClinVar (database versions not stated): gnomAD exomes 0.00001; ExAC 0.00002; gnomAD 0.00003; TOPMed 0.00003; 1000 Genomes Project 30x 0.00016; 1000 Genomes Project 0.00020.
gnomAD v4.1: 15 of 1,607,684 alleles (0.00093%); highest among the groups gnomAD compares: African/African-American, 0.02%; no homozygotes.

Submissions (2):

Ambry Genetics
Classification: Uncertain significance for Inborn genetic diseases. Last evaluated: 2025-11-23. Review status: criteria provided, single submitter. Criteria: Ambry Variant Classification Scheme 2023. Collection method: clinical testing. Allele origin: germline.

Labcorp Genetics (formerly Invitae), Labcorp
Classification: Uncertain significance for Glycogen storage disease, type IV; Glycogen storage disease IV, classic hepatic. Last evaluated: 2022-07-05. Review status: criteria provided, single submitter. Criteria: Invitae Variant Classification Sherloc (09022015). Collection method: clinical testing. Allele origin: germline.
Comment: This sequence change replaces serine, which is neutral and polar, with asparagine, which is neutral and polar, at codon 605 of the GBE1 protein (p.Ser605Asn). This variant is present in population databases (rs574174814, gnomAD 0.02%). This variant has not been reported in the literature in individuals affected with GBE1-related conditions. Advanced modeling of protein sequence and biophysical properties (such as structural, functional, and spatial information, amino acid conservation, physicochemical variation, residue mobility, and thermodynamic stability) performed at Invitae indicates that this missense variant is not expected to disrupt GBE1 protein function. In summary, the available evidence is currently insufficient to determine the role of this variant in disease. Therefore, it has been classified as a Variant of Uncertain Significance.

NM_000158.4(GBE1):c.1814G>A (p.Ser605Asn)

Gene: GBE1 (1,4-alpha-glucan branching enzyme 1; minus strand). Cytogenetic location: 3p12.2.
Variant type: single nucleotide variant.
Coding change: c.1814G>A on transcript NM_000158.4 (MANE Select); coding-DNA position 1814, G replaced by A.
Protein change: p.Ser605Asn; replaces serine 605 with asparagine.
Molecular consequence: missense variant.
Genome position (GRCh38, 1-based): chr3:81,535,315, C>T on the plus strand (G>A on the coding strand, the complement: GBE1 is on the minus strand). VCF-style: chr3-81535315-C-T. GRCh37 (hg19) VCF-style: chr3-81584466-C-T.
Other names: c.1814G>A (NM_000158.3); short protein forms S605N.
Identifiers: ClinVar variation 2149042 (VCV002149042.2), dbSNP rs574174814, ClinGen allele CA2499545.